The following is an entry in ClinVar:

NM_004766.3(COPB2):c.1921C>T (p.Pro641Ser)

Gene: COPB2 (COPI coat complex subunit beta 2; minus strand). Cytogenetic location: 3q23.
Variant type: single nucleotide variant.
Coding change: c.1921C>T on transcript NM_004766.3 (MANE Select); coding-DNA position 1921, C replaced by T.
Protein change: p.Pro641Ser; replaces proline 641 with serine.
Molecular consequence: missense variant. On other transcripts: non-coding transcript variant (1).
Genome position (GRCh38, 1-based): chr3:139,362,481, G>A on the plus strand (C>T on the coding strand, the complement: COPB2 is on the minus strand). VCF-style: chr3-139362481-G-A. GRCh37 (hg19) VCF-style: chr3-139081323-G-A.
Other names: c.1834C>T, p.Pro612Ser (NM_001410834.1); short protein forms P612S, P641S.
Identifiers: ClinVar variation 3902869 (VCV003902869.1).

ClinVar aggregate classification (germline): Uncertain significance (1 of 4 stars; one submission).

Submission:

GeneDx
Classification: Uncertain significance. Last evaluated: 2024-12-11. Review status: criteria provided, single submitter. Criteria: GeneDx Variant Classification Process June 2021. Collection method: clinical testing. Allele origin: germline. Affected: yes.
Comment: Not observed at significant frequency in large population cohorts (gnomAD); In silico analysis supports that this missense variant has a deleterious effect on protein structure/function; Has not been previously published as pathogenic or benign to our knowledge